The following is an entry in ClinVar:

NM_000059.4(BRCA2):c.4579del (p.Ala1527fs)

Gene: BRCA2 (BRCA2 DNA repair associated; plus strand). Cytogenetic location: 13q13.1.
Variant type: Deletion.
Coding change: c.4579del on transcript NM_000059.4 (MANE Select); coding-DNA position 4579, one base deleted (G; older notation c.4579delG).
Protein change: p.Ala1527fs; shifts the reading frame from alanine 1527.
Molecular consequence: frameshift variant. On other transcripts: non-coding transcript variant (1), intron variant (2).
Genome position (GRCh38, 1-based): chr13:32,338,934, G deleted. VCF-style (leftmost placement, unchanged base first): chr13-32338933-AG-A. GRCh37 (hg19) VCF-style: chr13-32913070-AG-A.
Other names: c.4579del, p.Ala1527fs (NM_001406719.1, NM_001406720.1); c.1909+5547del (NM_001406721.1); c.425-5624del (NM_001406722.1); short protein forms A1527fs.
Identifiers: ClinVar variation 2823376 (VCV002823376.3), dbSNP rs1566230738, ClinGen allele CA919242605.

ClinVar aggregate classification (germline): Pathogenic (1 of 4 stars; one submission).

Conditions:
Hereditary breast ovarian cancer syndrome. Also called: Hereditary breast and/or ovarian cancer syndrome; Hereditary breast and ovarian cancer; Hereditary breast and ovarian cancer syndrome; Breast and ovarian cancer; Hereditary breast and ovarian cancer syndrome (HBOC); BRCA1- and BRCA2-Associated Hereditary Breast and Ovarian Cancer. Identifiers: Orphanet 145, MedGen C0677776, MeSH D061325, MONDO:0003582. Disease mechanism: loss of function.

Submission:

Labcorp Genetics (formerly Invitae), Labcorp
Classification: Pathogenic for Hereditary breast ovarian cancer syndrome. Last evaluated: 2022-12-22. Review status: criteria provided, single submitter. Criteria: Invitae Variant Classification Sherloc (09022015). Collection method: clinical testing. Allele origin: germline.
Comment: This variant is not present in population databases (gnomAD no frequency). For these reasons, this variant has been classified as Pathogenic. This variant has not been reported in the literature in individuals affected with BRCA2-related conditions. This sequence change creates a premature translational stop signal (p.Ala1527Leufs*16) in the BRCA2 gene. It is expected to result in an absent or disrupted protein product. Loss-of-function variants in BRCA2 are known to be pathogenic (PMID: 20104584).

Literature cited by the submitters: PubMed 20104584.